The following is an entry in ClinVar:

ClinVar aggregate classification (germline): Uncertain significance (1 of 4 stars; one submission).

Conditions:
Inborn genetic diseases. Identifiers: MedGen C0950123, MeSH D030342.

Submission:

Ambry Genetics
Classification: Uncertain significance for Inborn genetic diseases. Last evaluated: 2024-05-31. Review status: criteria provided, single submitter. Criteria: Ambry Variant Classification Scheme 2023. Collection method: clinical testing. Allele origin: germline.
Comment: The p.P1072T variant (also known as c.3214C>A), located in coding exon 24 of the LRRK2 gene, results from a C to A substitution at nucleotide position 3214. The proline at codon 1072 is replaced by threonine, an amino acid with highly similar properties. This amino acid position is conserved. In addition, the in silico prediction for this alteration is inconclusive. Based on the available evidence, the clinical significance of this variant remains unclear.

NM_198578.4(LRRK2):c.3214C>A (p.Pro1072Thr)

Gene: LRRK2 (leucine rich repeat kinase 2; plus strand). Cytogenetic location: 12q12.
Variant type: single nucleotide variant.
Coding change: c.3214C>A on transcript NM_198578.4 (MANE Select); coding-DNA position 3214, C replaced by A.
Protein change: p.Pro1072Thr; replaces proline 1072 with threonine.
Molecular consequence: missense variant.
Genome position (GRCh38, 1-based): chr12:40,298,360, C>A. VCF-style: chr12-40298360-C-A. GRCh37 (hg19) VCF-style: chr12-40692162-C-A.
Other names: short protein forms P1072T.
Identifiers: ClinVar variation 3292046 (VCV003292046.1).
Genomic context (GRCh38, chr12:40,298,360, plus strand): 5'-TCTTATTTGTTGAAAATGAGTTGTATTGCTAATCTTGATGTCTCTCGAAATGACATTGGA[C>A]CCTCAGTGGTTTTAGATCCTACAGTGAAATGTCCAACTCTGAAACAGTTTAACCTGTCAT-3'
Protein context (NP_940980.4, residues 1062-1082): NLDVSRNDIG[Pro1072Thr]SVVLDPTVKC